The following is an entry in ClinVar:

NM_000059.4(BRCA2):c.3078G>C (p.Lys1026Asn)

Gene: BRCA2 (BRCA2 DNA repair associated; plus strand). Cytogenetic location: 13q13.1.
Variant type: single nucleotide variant.
Coding change: c.3078G>C on transcript NM_000059.4 (MANE Select); coding-DNA position 3078, G replaced by C.
Protein change: p.Lys1026Asn; replaces lysine 1026 with asparagine.
Molecular consequence: missense variant.
Genome position (GRCh38, 1-based): chr13:32,337,433, G>C. VCF-style: chr13-32337433-G-C. GRCh37 (hg19) VCF-style: chr13-32911570-G-C.
Other names: c.3078G>C, p.Lys1026Asn (NM_001406719.1, NM_001406720.1); short protein forms K1026N.
Identifiers: ClinVar variation 1955659 (VCV001955659.8), dbSNP rs762692063, ClinGen allele CA387775200.

ClinVar aggregate classification (germline): Conflicting classifications of pathogenicity. Review status: criteria provided, conflicting classifications (1 of 4 stars). 3 submissions from 3 submitters: Uncertain significance (2); Likely benign (1). Last evaluated 2024-11-09.

Conditions:
Hereditary cancer-predisposing syndrome. Also called: Hereditary neoplastic syndrome; Tumor predisposition; Hereditary Cancer Syndrome; Neoplastic Syndromes, Hereditary. Identifiers: Orphanet 140162, MedGen C0027672, MeSH D009386, MONDO:0015356.
Hereditary breast ovarian cancer syndrome. Also called: Hereditary breast and ovarian cancer syndrome (HBOC); Hereditary breast and ovarian cancer; Hereditary breast and/or ovarian cancer syndrome; BRCA1- and BRCA2-Associated Hereditary Breast and Ovarian Cancer; Hereditary breast and ovarian cancer syndrome; Breast and ovarian cancer. Identifiers: Orphanet 145, MedGen C0677776, MeSH D061325, MONDO:0003582. Disease mechanism: loss of function.

Submissions (3):

Ambry Genetics
Classification: Uncertain significance for Hereditary cancer-predisposing syndrome. Last evaluated: 2024-11-09. Review status: criteria provided, single submitter. Criteria: Ambry Variant Classification Scheme 2023. Collection method: clinical testing. Allele origin: germline.
Comment: The p.K1026N variant (also known as c.3078G>C), located in coding exon 10 of the BRCA2 gene, results from a G to C substitution at nucleotide position 3078. The lysine at codon 1026 is replaced by asparagine, an amino acid with similar properties. This amino acid position is well conserved in available vertebrate species. In addition, the in silico prediction for this alteration is inconclusive. Based on the available evidence, the clinical significance of this variant remains unclear.

University of Washington Department of Laboratory Medicine, University of Washington
Classification: Likely benign for Hereditary cancer-predisposing syndrome. Last evaluated: 2023-03-23. Review status: criteria provided, single submitter. Criteria: Dines et al. (Genet Med. 2020). Collection method: curation. Allele origin: germline.
Comment: Missense variant in a coldspot region where missense variants are very unlikely to be pathogenic (PMID:31911673).

BRCA2 exon 11 coldspot. Reclassification based on statistical prior probability.

Labcorp Genetics (formerly Invitae), Labcorp
Classification: Uncertain significance for Hereditary breast ovarian cancer syndrome. Last evaluated: 2023-01-13. Review status: criteria provided, single submitter. Criteria: Invitae Variant Classification Sherloc (09022015). Collection method: clinical testing. Allele origin: germline.
Comment: In summary, the available evidence is currently insufficient to determine the role of this variant in disease. Therefore, it has been classified as a Variant of Uncertain Significance. Advanced modeling of protein sequence and biophysical properties (such as structural, functional, and spatial information, amino acid conservation, physicochemical variation, residue mobility, and thermodynamic stability) performed at Invitae indicates that this missense variant is not expected to disrupt BRCA2 protein function. This variant has not been reported in the literature in individuals affected with BRCA2-related conditions. This variant is not present in population databases (gnomAD no frequency). This sequence change replaces lysine, which is basic and polar, with asparagine, which is neutral and polar, at codon 1026 of the BRCA2 protein (p.Lys1026Asn).